The following is an entry in ClinVar:

ClinVar aggregate classification (germline): Uncertain significance (1 of 4 stars; one submission).

Conditions:
Cranium bifidum occultum. Also called: CATLIN MARKS; Enlarged Parietal Foramina; CRANIUM BIFIDUM, HEREDITARY. Identifiers: MedGen C1868598, HP:0004423.

gnomAD v4.1: 3 of 1,586,812 alleles (0.00019%); highest among the groups gnomAD compares: Admixed American, 0.0056%; no homozygotes.

Submission:

Labcorp Genetics (formerly Invitae), Labcorp
Classification: Uncertain significance for Cranium bifidum occultum. Last evaluated: 2025-09-02. Review status: criteria provided, single submitter. Criteria: Invitae Variant Classification Sherloc (09022015). Collection method: clinical testing. Allele origin: germline.
Comment: This sequence change replaces glycine, which is neutral and non-polar, with glutamic acid, which is acidic and polar, at codon 93 of the MSX2 protein (p.Gly93Glu). This variant is not present in population databases (gnomAD no frequency). This variant has not been reported in the literature in individuals affected with MSX2-related conditions. Invitae Evidence Modeling of protein sequence and biophysical properties (such as structural, functional, and spatial information, amino acid conservation, physicochemical variation, residue mobility, and thermodynamic stability) indicates that this missense variant is not expected to disrupt MSX2 protein function with a negative predictive value of 80%. In summary, the available evidence is currently insufficient to determine the role of this variant in disease. Therefore, it has been classified as a Variant of Uncertain Significance.

NM_002449.5(MSX2):c.278G>A (p.Gly93Glu)

Gene: MSX2 (msh homeobox 2; plus strand). Cytogenetic location: 5q35.2.
Variant type: single nucleotide variant.
Coding change: c.278G>A on transcript NM_002449.5 (MANE Select); coding-DNA position 278, G replaced by A.
Protein change: p.Gly93Glu; replaces glycine 93 with glutamic acid.
Molecular consequence: missense variant.
Genome position (GRCh38, 1-based): chr5:174,724,937, G>A. VCF-style: chr5-174724937-G-A. GRCh37 (hg19) VCF-style: chr5-174151940-G-A.
Other names: c.278G>A, p.Gly93Glu (NM_001363626.2); short protein forms G93E.
Identifiers: ClinVar variation 4760880 (VCV004760880.1).
Genomic context (GRCh38, chr5:174,724,937, plus strand): 5'-GGGCCACCCTGCGGCCACTGCTGCTGTCGGGGCACGGCGCTCGGGAAGCGCACAGCCCCG[G>A]GCCGCTGGTGAAGCCCTTCGAGACCGCCTCGGTCAAGTCGGAAAATTCAGAAGATGGAGC-3'
Protein context (NP_002440.2, residues 83-103): GHGAREAHSP[Gly93Glu]PLVKPFETAS